The following is an entry in ClinVar:

ClinVar aggregate classification (germline): Uncertain significance (1 of 4 stars; one submission).

Submission:

Labcorp Genetics (formerly Invitae), Labcorp
Classification: Uncertain significance. Last evaluated: 2020-08-05. Review status: criteria provided, single submitter. Criteria: Invitae Variant Classification Sherloc (09022015). Collection method: clinical testing. Allele origin: germline.
Comment: This variant has not been reported in the literature in individuals with SLC12A1-related conditions. This sequence change replaces isoleucine with threonine at codon 845 of the SLC12A1 protein (p.Ile845Thr). The isoleucine residue is moderately conserved and there is a moderate physicochemical difference between isoleucine and threonine. This variant is not present in population databases (ExAC no frequency). Algorithms developed to predict the effect of missense changes on protein structure and function (SIFT, PolyPhen-2, Align-GVGD) all suggest that this variant is likely to be tolerated, but these predictions have not been confirmed by published functional studies and their clinical significance is uncertain. In summary, the available evidence is currently insufficient to determine the role of this variant in disease. Therefore, it has been classified as a Variant of Uncertain Significance.

NM_000338.3(SLC12A1):c.2534T>C (p.Ile845Thr)

Gene: SLC12A1 (solute carrier family 12 member 1; plus strand). Cytogenetic location: 15q21.1.
Variant type: single nucleotide variant.
Coding change: c.2534T>C on transcript NM_000338.3 (MANE Select); coding-DNA position 2534, T replaced by C.
Protein change: p.Ile845Thr; replaces isoleucine 845 with threonine.
Molecular consequence: missense variant.
Genome position (GRCh38, 1-based): chr15:48,285,154, T>C. VCF-style: chr15-48285154-T-C. GRCh37 (hg19) VCF-style: chr15-48577351-T-C.
Other names: c.2534T>C, p.Ile845Thr (NM_001184832.2, NM_001384136.1); short protein forms I845T.
Identifiers: ClinVar variation 1043730 (VCV001043730.8), dbSNP rs2042043949, ClinGen allele CA392317102.
Genomic context (GRCh38, chr15:48,285,154, plus strand): 5'-TTCTTTCATCAGAGGAATTAGAGAGATTAGAACAGGAGAGACTAGCATTGGAAGCGACTA[T>C]CAAAGATAATGAGTGTGAAGAGGAAAGTGGAGGCATCCGAGGCTTGTTTAAAAAAGCTGG-3'
Protein context (NP_000329.2, residues 835-855): EQERLALEAT[Ile845Thr]KDNECEEESG